The following is an entry in ClinVar:

ClinVar aggregate classification (germline): Likely benign. Review status: criteria provided, multiple submitters, no conflicts (2 of 4 stars). 3 submissions from 3 submitters: Likely benign (3). Last evaluated 2024-02-01.

Conditions:
Cardiovascular phenotype. Identifiers: MedGen CN230736.
Hypertrophic cardiomyopathy. Also called: HYPERTROPHIC MYOCARDIOPATHY. Identifiers: Orphanet 217569, MedGen C0007194, MeSH D002312, MONDO:0005045, HP:0001639.

gnomAD v4.1: 3 of 1,578,604 alleles (0.00019%); highest among the groups gnomAD compares: Non-Finnish European, 0.00026%; no homozygotes.

Submissions (3):

Ambry Genetics
Classification: Likely benign for Cardiovascular phenotype. Last evaluated: 2024-02-01. Review status: criteria provided, single submitter. Criteria: Ambry Variant Classification Scheme 2023. Collection method: clinical testing. Allele origin: germline.

Labcorp Genetics (formerly Invitae), Labcorp
Classification: Likely benign for Hypertrophic cardiomyopathy. Last evaluated: 2022-07-19. Review status: criteria provided, single submitter. Criteria: Invitae Variant Classification Sherloc (09022015). Collection method: clinical testing. Allele origin: germline.

GeneDx
Classification: Likely benign. Last evaluated: 2016-11-01. Review status: criteria provided, single submitter. Criteria: GeneDx Variant Classification (06012015). Collection method: clinical testing. Allele origin: germline. Affected: yes.
Comment: This variant is considered likely benign or benign based on one or more of the following criteria: it is a conservative change, it occurs at a poorly conserved position in the protein, it is predicted to be benign by multiple in silico algorithms, and/or has population frequency not consistent with disease.

NM_020433.5(JPH2):c.1689C>T (p.Tyr563=)

Gene: JPH2 (junctophilin 2; minus strand). Cytogenetic location: 20q13.12.
Variant type: single nucleotide variant.
Coding change: c.1689C>T on transcript NM_020433.5 (MANE Select); coding-DNA position 1689, C replaced by T.
Protein change: p.Tyr563=; no amino-acid change (tyrosine 563 retained).
Molecular consequence: synonymous variant.
Genome position (GRCh38, 1-based): chr20:44,115,986, G>A on the plus strand (C>T on the coding strand, the complement: JPH2 is on the minus strand). VCF-style: chr20-44115986-G-A. GRCh37 (hg19) VCF-style: chr20-42744626-G-A.
Identifiers: ClinVar variation 390343 (VCV000390343.9), dbSNP rs757000497, ClinGen allele CA9868634.